The following is an entry in ClinVar:

NM_001371727.1(GABRB2):c.456C>T (p.Leu152=)

Gene: GABRB2 (gamma-aminobutyric acid type A receptor subunit beta2; minus strand). Cytogenetic location: 5q34.
Variant type: single nucleotide variant.
Coding change: c.456C>T on transcript NM_001371727.1 (MANE Select); coding-DNA position 456, C replaced by T.
Protein change: p.Leu152=; no amino-acid change (leucine 152 retained).
Molecular consequence: synonymous variant.
Genome position (GRCh38, 1-based): chr5:161,459,626, G>A on the plus strand (C>T on the coding strand, the complement: GABRB2 is on the minus strand). VCF-style: chr5-161459626-G-A. GRCh37 (hg19) VCF-style: chr5-160886632-G-A.
Other names: c.456C>T, p.Leu152= (NM_000813.3, NM_021911.3).
Identifiers: ClinVar variation 1313862 (VCV001313862.2), dbSNP rs2113263624, ClinGen allele CA447605423.

ClinVar aggregate classification (germline): Uncertain significance (1 of 4 stars; one submission).

Submission:

GeneDx
Classification: Uncertain significance. Last evaluated: 2021-01-07. Review status: criteria provided, single submitter. Criteria: GeneDx Variant Classification Process June 2021. Collection method: clinical testing. Allele origin: germline. Affected: yes.
Comment: Not observed in large population cohorts (Lek et al., 2016); In silico analysis supports a deleterious effect on splicing; Has not been previously published as pathogenic or benign to our knowledge